The following is an entry in ClinVar:

ClinVar aggregate classification (germline): Uncertain significance (1 of 4 stars; one submission).

Submission:

GeneDx
Classification: Uncertain significance. Last evaluated: 2026-01-22. Review status: criteria provided, single submitter. Criteria: GeneDx Variant Classification Process June 2021. Collection method: clinical testing. Allele origin: germline.
Comment: Not observed at significant frequency in large population cohorts (gnomAD); In silico analysis suggests that this missense variant does not alter protein structure/function; Has not been previously published as pathogenic or benign to our knowledge; This variant is associated with the following publications: (PMID: 10939567)

NM_170707.4(LMNA):c.1340A>G (p.Glu447Gly)

Gene: LMNA (lamin A/C; plus strand). Cytogenetic location: 1q22.
Variant type: single nucleotide variant.
Coding change: c.1340A>G on transcript NM_170707.4 (MANE Select); coding-DNA position 1340, A replaced by G.
Protein change: p.Glu447Gly; replaces glutamic acid 447 with glycine.
Molecular consequence: missense variant.
Genome position (GRCh38, 1-based): chr1:156,136,396, A>G. VCF-style: chr1-156136396-A-G. GRCh37 (hg19) VCF-style: chr1-156106187-A-G.
Other names: c.1004A>G, p.Glu335Gly (NM_001257374.3, NM_001406989.1, NM_001406998.1); c.1097A>G, p.Glu366Gly (NM_001282624.2, NM_001406986.1, NM_001406987.1); c.1340A>G, p.Glu447Gly (NM_001282625.2, NM_001282626.2, NM_001406983.1 and 6 more transcripts); c.1043A>G, p.Glu348Gly (NM_001406988.1); c.782A>G, p.Glu261Gly (NM_001406990.1, NM_001406993.1, NM_001406995.1 and 4 more transcripts); c.716A>G, p.Glu239Gly (NM_001406994.1, NM_001406999.1, NM_001407000.1 and 1 more transcripts); short protein forms E239G, E261G, E335G, E348G, E366G, E447G.
Identifiers: ClinVar variation 4975551 (VCV004975551.1).